The following is an entry in ClinVar:

ClinVar aggregate classification (germline): Uncertain significance. Review status: criteria provided, multiple submitters, no conflicts (2 of 4 stars). 2 submissions from 2 submitters: Uncertain significance (2). Last evaluated 2025-10-30.

Allele frequency attached by ClinVar (database versions not stated): gnomAD exomes 0.00001.
gnomAD v4.1: 5 of 1,613,406 alleles (0.00031%); highest among the groups gnomAD compares: Admixed American, 0.0017%; no homozygotes.

Submissions (2):

Dasa
Classification: Uncertain significance. Last evaluated: 2025-10-30. Review status: criteria provided, single submitter. Criteria: DASA Assertion Criteria. Collection method: clinical testing. Allele origin: germline.
Comment: NM_004145.4(MYO9B):c.242A>G (p.Asn81Ser) is a missense variant that results in the substitution of asparagine with serine. This variant is rare in population databases. Computational prediction algorithms are consistent with a benign effect. The currently available literature and clinical evidence are not sufficient to establish a definitive association between this variant and the reported condition. Therefore, this variant is classified as a variant of uncertain significance.

Ambry Genetics
Classification: Uncertain significance. Last evaluated: 2022-11-18. Review status: criteria provided, single submitter. Criteria: Ambry Variant Classification Scheme 2023. Collection method: clinical testing. Allele origin: germline.

NM_004145.4(MYO9B):c.242A>G (p.Asn81Ser)

Gene: MYO9B (myosin IXB; plus strand). Cytogenetic location: 19p13.11.
Variant type: single nucleotide variant.
Coding change: c.242A>G on transcript NM_004145.4 (MANE Select); coding-DNA position 242, A replaced by G.
Protein change: p.Asn81Ser; replaces asparagine 81 with serine.
Molecular consequence: missense variant.
Genome position (GRCh38, 1-based): chr19:17,101,959, A>G. VCF-style: chr19-17101959-A-G. GRCh37 (hg19) VCF-style: chr19-17212769-A-G.
Other names: c.242A>G, p.Asn81Ser (NM_001130065.2); short protein forms N81S.
Identifiers: ClinVar variation 3167002 (VCV003167002.3), dbSNP rs1183490558, ClinGen allele CA404654061.